The following is an entry in ClinVar:

ClinVar aggregate classification (germline): Benign. Review status: criteria provided, multiple submitters, no conflicts (2 of 4 stars). 3 submissions from 3 submitters: Benign (2). 1 of the submissions does not count toward it. Last evaluated 2026-02-04.

Conditions:
ITGAM-related disorder. Also called: ITGAM-related condition.

Allele frequency attached by ClinVar (database versions not stated): gnomAD 0.11029 and 0.10722; 1000 Genomes Project 0.08506; gnomAD exomes 0.09670; ESP Exome Variant Server 0.10611; TOPMed 0.10621; 1000 Genomes Project 30x 0.08557; ExAC 0.14551.
gnomAD v4.1: 161,393 of 1,592,706 alleles (10%); highest among the groups gnomAD compares: Middle Eastern, 16%; 8,785 homozygotes.

Submissions (3):

Labcorp Genetics (formerly Invitae), Labcorp
Classification: Benign. Last evaluated: 2026-02-04. Review status: criteria provided, single submitter. Criteria: Invitae Variant Classification Sherloc (09022015). Collection method: clinical testing. Allele origin: germline.

Breakthrough Genomics
Classification: Benign. Review status: criteria provided, single submitter. Criteria: ACMG Guidelines, 2015. Collection method: not provided. Allele origin: germline. Inheritance: Unknown mechanism. Affected: yes.

PreventionGenetics, part of Exact Sciences
Classification: Benign for ITGAM-related condition. Last evaluated: 2019-11-12. Review status: no assertion criteria provided. Collection method: clinical testing. Allele origin: germline. Not counted in ClinVar's aggregate classification.
Comment: This variant is classified as benign based on ACMG/AMP sequence variant interpretation guidelines (Richards et al. 2015 PMID: 25741868, with internal and published modifications).

NM_000632.4(ITGAM):c.230G>A (p.Arg77His)

Genes: ITGAM (integrin subunit alpha M; plus strand), LOC126862331 (P300/CBP strongly-dependent group 1 enhancer GRCh37_chr16:31276375-31277574; plus strand). Cytogenetic location: 16p11.2.
Variant type: single nucleotide variant.
Coding change: c.230G>A on transcript NM_000632.4 (MANE Select); coding-DNA position 230, G replaced by A.
Protein change: p.Arg77His; replaces arginine 77 with histidine.
Molecular consequence: missense variant.
Genome position (GRCh38, 1-based): chr16:31,265,490, G>A. VCF-style: chr16-31265490-G-A. GRCh37 (hg19) VCF-style: chr16-31276811-G-A.
Other names: c.230G>A, p.Arg77His (NM_001145808.2); c.230G>A (NM_000632.3); short protein forms R77H.
Identifiers: ClinVar variation 1164965 (VCV001164965.12), dbSNP rs1143679, ClinGen allele CA8025152.